The following is an entry in ClinVar:

ClinVar aggregate classification (germline): Uncertain significance (1 of 4 stars; one submission).

Conditions:
KIDINS220-related disorder. Also called: KIDINS220-related condition.

gnomAD v4.1: 1 of 1,614,066 alleles (0.000062%); highest among the groups gnomAD compares: Non-Finnish European, 0.000085%; no homozygotes.

Submission:

PreventionGenetics, part of Exact Sciences
Classification: Uncertain significance for KIDINS220-related condition. Last evaluated: 2026-07-13. Review status: criteria provided, single submitter. Criteria: ACMG Guidelines, 2015. Collection method: clinical testing. Allele origin: germline.
Comment: The KIDINS220 c.4404C>A variant is predicted to result in the amino acid substitution p.Asn1468Lys. To our knowledge, this variant has not been reported in the literature or in a large population database (gnomAD), indicating this variant is rare. At this time, the clinical significance of this variant is uncertain due to the absence of conclusive functional and genetic evidence.

NM_020738.4(KIDINS220):c.4404C>A (p.Asn1468Lys)

Gene: KIDINS220 (kinase D interacting substrate 220; minus strand). Cytogenetic location: 2p25.1.
Variant type: single nucleotide variant.
Coding change: c.4404C>A on transcript NM_020738.4 (MANE Select); coding-DNA position 4404, C replaced by A.
Protein change: p.Asn1468Lys; replaces asparagine 1468 with lysine.
Molecular consequence: missense variant. On other transcripts: intron variant (6).
Genome position (GRCh38, 1-based): chr2:8,731,632, G>T on the plus strand (C>A on the coding strand, the complement: KIDINS220 is on the minus strand). VCF-style: chr2-8731632-G-T. GRCh37 (hg19) VCF-style: chr2-8871762-G-T.
Other names: c.4407C>A, p.Asn1469Lys (NM_001348729.2); c.4350C>A, p.Asn1450Lys (NM_001348731.2); c.4347C>A, p.Asn1449Lys (NM_001348732.2); c.4236C>A, p.Asn1412Lys (NM_001348734.2); c.4233C>A, p.Asn1411Lys (NM_001348735.2); c.4107C>A, p.Asn1369Lys (NM_001348736.2); c.3882+1812C>A (NM_001348741.2, NM_001348742.2, NM_001348743.2); c.3996+1812C>A (NM_001348738.2); and 1 more; short protein forms N1369K, N1449K, N1468K, N1411K, N1412K, N1450K, N1469K.
Identifiers: ClinVar variation 4983401 (VCV004983401.1).